The following is an entry in ClinVar:

ClinVar aggregate classification (germline): Benign/Likely benign. Review status: criteria provided, multiple submitters, no conflicts (2 of 4 stars). 4 submissions from 4 submitters: Benign (1); Likely benign (2). 1 of the submissions does not count toward it. Last evaluated 2025-03-17.

Conditions:
SDHC-related disorder. Also called: SDHC-related condition.
Hereditary cancer-predisposing syndrome. Also called: Tumor predisposition; Neoplastic Syndromes, Hereditary; Hereditary Cancer Syndrome; Hereditary neoplastic syndrome. Identifiers: Orphanet 140162, MedGen C0027672, MeSH D009386, MONDO:0015356.
Pheochromocytoma/paraganglioma syndrome 3. Also called: GLOMUS TUMORS, FAMILIAL, 3; Paragangliomas 3; SDHC-Related Hereditary Paraganglioma-Pheochromocytoma Syndrome (Paragangliomas 3); SDHC-Related Hereditary Paraganglioma-Pheochromocytoma Syndrome. Identifiers: Orphanet 29072, MedGen C1854336, MONDO:0011544, OMIM 605373.
Gastrointestinal stromal tumor. Also called: Gastrointestinal stromal tumor, somatic; Gastrointestinal stroma tumor. Identifiers: Orphanet 44890, MedGen C0238198, MeSH D046152, MONDO:0011719, OMIM 606764, HP:0100723.

Submissions (4):

Myriad Genetics, Inc.
Classification: Benign for Pheochromocytoma/paraganglioma syndrome 3. Last evaluated: 2025-03-17. Review status: criteria provided, single submitter. Criteria: Myriad Autosomal Dominant, Autosomal Recessive and X-Linked Classification Criteria (2023). Collection method: clinical testing. Allele origin: unknown.
Comment: This variant is considered benign. This variant is a silent/synonymous amino acid change and it is not expected to impact splicing.

Labcorp Genetics (formerly Invitae), Labcorp
Classification: Likely benign for Pheochromocytoma/paraganglioma syndrome 3; Gastrointestinal stromal tumor. Last evaluated: 2023-07-19. Review status: criteria provided, single submitter. Criteria: Invitae Variant Classification Sherloc (09022015). Collection method: clinical testing. Allele origin: germline.

Ambry Genetics
Classification: Likely benign for Hereditary cancer-predisposing syndrome. Last evaluated: 2020-12-19. Review status: criteria provided, single submitter. Criteria: Ambry Variant Classification Scheme 2023. Collection method: clinical testing. Allele origin: germline.

PreventionGenetics, part of Exact Sciences
Classification: Likely benign for SDHC-related condition. Last evaluated: 2022-10-03. Review status: no assertion criteria provided. Collection method: clinical testing. Allele origin: germline. Not counted in ClinVar's aggregate classification.
Comment: This variant is classified as likely benign based on ACMG/AMP sequence variant interpretation guidelines (Richards et al. 2015 PMID: 25741868, with internal and published modifications).

NM_003001.5(SDHC):c.390T>C (p.Asn130=)

Gene: SDHC (succinate dehydrogenase complex subunit C; plus strand). Cytogenetic location: 1q23.3.
Variant type: single nucleotide variant.
Coding change: c.390T>C on transcript NM_003001.5 (MANE Select); coding-DNA position 390, T replaced by C.
Protein change: p.Asn130=; no amino-acid change (asparagine 130 retained).
Molecular consequence: synonymous variant. On other transcripts: non-coding transcript variant (1), intron variant (3).
Genome position (GRCh38, 1-based): chr1:161,356,825, T>C. VCF-style: chr1-161356825-T-C. GRCh37 (hg19) VCF-style: chr1-161326615-T-C.
Other names: c.288T>C, p.Asn96= (NM_001035512.3); c.231T>C, p.Asn77= (NM_001035513.3); c.510T>C, p.Asn170= (NM_001407115.1); c.333T>C, p.Asn111= (NM_001407116.1); c.327T>C, p.Asn109= (NM_001407117.1); c.282T>C, p.Asn94= (NM_001407118.1); c.279T>C, p.Asn93= (NM_001407119.1, NM_001407120.1); c.242-5504T>C (NM_001035511.3); and 2 more.
Identifiers: ClinVar variation 1577358 (VCV001577358.14), dbSNP rs2102371399, ClinGen allele CA421501105.